The following is an entry in ClinVar:

NM_199242.3(UNC13D):c.148G>T (p.Glu50Ter)

Gene: UNC13D (unc-13 homolog D; minus strand). Cytogenetic location: 17q25.1.
Variant type: single nucleotide variant.
Coding change: c.148G>T on transcript NM_199242.3 (MANE Select); coding-DNA position 148, G replaced by T.
Protein change: p.Glu50Ter; replaces glutamic acid 50 with a stop codon.
Molecular consequence: nonsense.
Genome position (GRCh38, 1-based): chr17:75,843,489, C>A on the plus strand (G>T on the coding strand, the complement: UNC13D is on the minus strand). VCF-style: chr17-75843489-C-A. GRCh37 (hg19) VCF-style: chr17-73839570-C-A.
Other names: short protein forms E50*.
Identifiers: ClinVar variation 2814664 (VCV002814664.3), dbSNP rs756652448, ClinGen allele CA401118030.

ClinVar aggregate classification (germline): Pathogenic (1 of 4 stars; one submission).

Conditions:
Familial hemophagocytic lymphohistiocytosis 3 (FHL3). Also called: UNC13D-Related Familial Hemophagocytic Lymphohistiocytosis (UNC13D-fHLH). Identifiers: Orphanet 540, MedGen C1837174, MONDO:0012146, OMIM 608898.

Submission:

Labcorp Genetics (formerly Invitae), Labcorp
Classification: Pathogenic for Familial hemophagocytic lymphohistiocytosis 3. Last evaluated: 2023-03-04. Review status: criteria provided, single submitter. Criteria: Invitae Variant Classification Sherloc (09022015). Collection method: clinical testing. Allele origin: germline.
Comment: This variant is not present in population databases (gnomAD no frequency). This sequence change creates a premature translational stop signal (p.Glu50*) in the UNC13D gene. It is expected to result in an absent or disrupted protein product. Loss-of-function variants in UNC13D are known to be pathogenic (PMID: 14622600). This variant has not been reported in the literature in individuals affected with UNC13D-related conditions. For these reasons, this variant has been classified as Pathogenic.

Literature cited by the submitters: PubMed 14622600.